The following is an entry in ClinVar:

NM_005677.4(COLQ):c.688A>G (p.Thr230Ala)

Gene: COLQ (collagen like tail subunit of asymmetric acetylcholinesterase; minus strand). Cytogenetic location: 3p25.1.
Variant type: single nucleotide variant.
Coding change: c.688A>G on transcript NM_005677.4 (MANE Select); coding-DNA position 688, A replaced by G.
Protein change: p.Thr230Ala; replaces threonine 230 with alanine.
Molecular consequence: missense variant.
Genome position (GRCh38, 1-based): chr3:15,470,565, T>C on the plus strand (A>G on the coding strand, the complement: COLQ is on the minus strand). VCF-style: chr3-15470565-T-C. GRCh37 (hg19) VCF-style: chr3-15512072-T-C.
Other names: c.658A>G, p.Thr220Ala (NM_080538.2); c.586A>G, p.Thr196Ala (NM_080539.4); short protein forms T196A, T230A, T220A.
Identifiers: ClinVar variation 1996419 (VCV001996419.4), dbSNP rs1171886801, ClinGen allele CA351597985.

ClinVar aggregate classification (germline): Uncertain significance (1 of 4 stars; one submission).

Conditions:
Congenital myasthenic syndrome 5. Identifiers: Orphanet 590, MedGen C1864233, MONDO:0011281, OMIM 603034.

gnomAD v4.1: 1 of 1,614,086 alleles (0.000062%); highest among the groups gnomAD compares: Admixed American, 0.0017%; no homozygotes.

Submission:

Labcorp Genetics (formerly Invitae), Labcorp
Classification: Uncertain significance for Congenital myasthenic syndrome 5. Last evaluated: 2022-05-19. Review status: criteria provided, single submitter. Criteria: Invitae Variant Classification Sherloc (09022015). Collection method: clinical testing. Allele origin: germline.
Comment: This sequence change replaces threonine, which is neutral and polar, with alanine, which is neutral and non-polar, at codon 230 of the COLQ protein (p.Thr230Ala). This variant is present in population databases (no rsID available, gnomAD 0.003%). This variant has not been reported in the literature in individuals affected with COLQ-related conditions. Algorithms developed to predict the effect of missense changes on protein structure and function are either unavailable or do not agree on the potential impact of this missense change (SIFT: "Tolerated"; PolyPhen-2: "Not Available"; Align-GVGD: "Class C0"). In summary, the available evidence is currently insufficient to determine the role of this variant in disease. Therefore, it has been classified as a Variant of Uncertain Significance.